The following is an entry in ClinVar:

NM_003356.4(UCP3):c.297T>G (p.Tyr99Ter)

Gene: UCP3 (uncoupling protein 3; minus strand). Cytogenetic location: 11q13.4.
Variant type: single nucleotide variant.
Coding change: c.297T>G on transcript NM_003356.4 (MANE Select); coding-DNA position 297, T replaced by G.
Protein change: p.Tyr99Ter; replaces tyrosine 99 with a stop codon.
Molecular consequence: nonsense.
Genome position (GRCh38, 1-based): chr11:74,006,209, A>C on the plus strand (T>G on the coding strand, the complement: UCP3 is on the minus strand). VCF-style: chr11-74006209-A-C. GRCh37 (hg19) VCF-style: chr11-73717254-A-C.
Other names: NC_000011.9:g.73717254A>C; c.297T>G, p.Tyr99Ter (NM_022803.3); c.297T>G (NM_003356.3); short protein forms Y99*.
Identifiers: ClinVar variation 4376644 (VCV004376644.2).

ClinVar aggregate classification (germline): Uncertain significance (1 of 4 stars; one submission).

Conditions:
UCP3-related disorder. Also called: UCP3-related condition.

gnomAD v4.1: 1 of 1,613,714 alleles (0.000062%); highest among the groups gnomAD compares: African/African-American, 0.0013%; no homozygotes.

Submissions (2):

PreventionGenetics, part of Exact Sciences
Classification: Uncertain significance for UCP3-related condition. Last evaluated: 2026-08-27. Review status: criteria provided, single submitter. Criteria: ACMG Guidelines, 2015. Collection method: clinical testing. Allele origin: germline.
Comment: The UCP3 c.297T>G variant is predicted to result in premature protein termination (p.Tyr99*). To our knowledge, this variant has not been reported in the literature or in a large population database (gnomAD), indicating this variant is rare. Loss-of-function has not been established as a disease mechanism for this gene, and therefore the clinical significance of this variant is currently uncertain due to the absence of conclusive functional and genetic evidence.

Dr. Peter K. Rogan Lab, Western University
No classification provided (evidence only). Condition: Nonpapillary renal cell carcinoma. Review status: no classification provided. Collection method: in vitro. Allele origin: not applicable. Functional consequence: retained intron. Not counted in ClinVar's aggregate classification.